The following is an entry in ClinVar:

ClinVar aggregate classification (germline): Uncertain significance (1 of 4 stars; one submission).

Allele frequency attached by ClinVar (database versions not stated): gnomAD exomes 0.00002; TOPMed below 0.00001.
gnomAD v4.1: 29 of 1,561,586 alleles (0.0019%); highest among the groups gnomAD compares: Non-Finnish European, 0.0024%; no homozygotes.

Submission:

Labcorp Genetics (formerly Invitae), Labcorp
Classification: Uncertain significance. Last evaluated: 2021-11-12. Review status: criteria provided, single submitter. Criteria: Invitae Variant Classification Sherloc (09022015). Collection method: clinical testing. Allele origin: germline.
Comment: In summary, the available evidence is currently insufficient to determine the role of this variant in disease. Therefore, it has been classified as a Variant of Uncertain Significance. Variants that disrupt the consensus splice site are a relatively common cause of aberrant splicing (PMID: 17576681, 9536098). Algorithms developed to predict the effect of sequence changes on RNA splicing suggest that this variant is not likely to affect RNA splicing. This variant has not been reported in the literature in individuals affected with ERBB2-related conditions. This variant is not present in population databases (gnomAD no frequency). This sequence change falls in intron 2 of the ERBB2 gene. It does not directly change the encoded amino acid sequence of the ERBB2 protein. It affects a nucleotide within the consensus splice site.

Literature cited by the submitters: PubMed 17576681; PubMed 9536098.

NM_004448.4(ERBB2):c.225+3G>A

Gene: ERBB2 (erb-b2 receptor tyrosine kinase 2; plus strand). Cytogenetic location: 17q12.
Variant type: single nucleotide variant.
Coding change: c.225+3G>A on transcript NM_004448.4 (MANE Select); 3 bases into the intron after coding-DNA position 225, G replaced by A.
Molecular consequence: intron variant. On other transcripts: non-coding transcript variant (1).
Genome position (GRCh38, 1-based): chr17:39,707,144, G>A. VCF-style: chr17-39707144-G-A. GRCh37 (hg19) VCF-style: chr17-37863397-G-A.
Other names: c.135+3G>A (NM_001382782.1, NM_001005862.3, NM_001289938.2 and 1 more transcripts); c.180+3G>A (NM_001289936.2); c.225+3G>A (NM_001382787.1, NM_001382784.1, NM_001382786.1 and 20 more transcripts); c.74-4784G>A (NM_001382804.1).
Identifiers: ClinVar variation 1423609 (VCV001423609.6), dbSNP rs1181476242, ClinGen allele CA771846208.